The following is an entry in ClinVar:

ClinVar aggregate classification (germline): Benign. Review status: criteria provided, multiple submitters, no conflicts (2 of 4 stars). 3 submissions from 3 submitters: Benign (3). Last evaluated 2024-11-01.

Allele frequency attached by ClinVar (database versions not stated): 1000 Genomes Project 0.00160; 1000 Genomes Project 30x 0.00187; TOPMed 0.00520; ExAC 0.00544; gnomAD exomes 0.00551 and 0.00843; gnomAD 0.00567 and 0.00583; ESP Exome Variant Server 0.00838.
gnomAD v4.1: 13,048 of 1,614,190 alleles (0.81%); highest among the groups gnomAD compares: Non-Finnish European, 1%; 72 homozygotes.

Submissions (3):

CeGaT Center for Human Genetics Tuebingen
Classification: Benign. Last evaluated: 2024-11-01. Review status: criteria provided, single submitter. Criteria: CeGaT Center For Human Genetics Tuebingen Variant Classification Criteria Version 2. Collection method: clinical testing. Allele origin: germline. Affected: yes. Observed: 22 variant alleles.
Comment: BIVM: BP4, BS1, BS2

Mendelics
Classification: Benign. Last evaluated: 2022-05-04. Review status: criteria provided, single submitter. Criteria: Mendelics Assertion Criteria 2019. Collection method: clinical testing. Allele origin: germline.

Breakthrough Genomics
Classification: Benign. Review status: criteria provided, single submitter. Criteria: ACMG Guidelines, 2015. Collection method: not provided. Allele origin: germline. Inheritance: Unknown mechanism. Affected: yes.

NM_017693.4(BIVM):c.244A>G (p.Ile82Val)

Genes: BIVM (basic, immunoglobulin-like variable motif containing; plus strand), BIVM-ERCC5 (BIVM-ERCC5 readthrough; plus strand). Cytogenetic location: 13q33.1.
Variant type: single nucleotide variant.
Coding change: c.244A>G on transcript NM_017693.4 (MANE Select); coding-DNA position 244, A replaced by G.
Protein change: p.Ile82Val; replaces isoleucine 82 with valine.
Molecular consequence: missense variant. On other transcripts: intron variant (1).
Genome position (GRCh38, 1-based): chr13:102,807,511, A>G. VCF-style: chr13-102807511-A-G. GRCh37 (hg19) VCF-style: chr13-103459861-A-G.
Other names: c.244A>G, p.Ile82Val (NM_001204425.2); c.-210+7990A>G (NM_001159596.2); short protein forms I82V.
Identifiers: ClinVar variation 1686561 (VCV001686561.32), dbSNP rs41281670, ClinGen allele CA7040604.